The following is an entry in ClinVar:

ClinVar aggregate classification (germline): Conflicting classifications of pathogenicity. Review status: criteria provided, conflicting classifications (1 of 4 stars). 3 submissions from 3 submitters: Pathogenic (1); Likely pathogenic (1); Uncertain significance (1). Last evaluated 2026-01-27.

Conditions:
Dilated cardiomyopathy 1DD (CMD1DD). Identifiers: Orphanet 154, MedGen C2750995, MONDO:0013168, OMIM 613172.

Submissions (3):

Labcorp Genetics (formerly Invitae), Labcorp
Classification: Pathogenic for Dilated cardiomyopathy 1DD. Last evaluated: 2026-01-27. Review status: criteria provided, single submitter. Criteria: Invitae Variant Classification Sherloc (09022015). Collection method: clinical testing. Allele origin: germline.
Comment: This sequence change creates a premature translational stop signal (p.Ile935Leufs*15) in the RBM20 gene. It is expected to result in an absent or disrupted protein product. Loss-of-function variants in RBM20 are known to be pathogenic (PMID: 20590677, 22004663, 38288598, 38510713, 40339755). This variant is not present in population databases (gnomAD no frequency). This variant has not been reported in the literature in individuals affected with RBM20-related conditions. ClinVar contains an entry for this variant (Variation ID: 1163333). For these reasons, this variant has been classified as Pathogenic.

GeneDx
Classification: Uncertain significance. Last evaluated: 2024-03-29. Review status: criteria provided, single submitter. Criteria: GeneDx Variant Classification Process June 2021. Collection method: clinical testing. Allele origin: germline. Affected: yes.
Comment: Not observed at significant frequency in large population cohorts (gnomAD); Frameshift variant predicted to result in protein truncation or nonsense mediated decay in a gene or region of a gene for which loss of function is not a well-established mechanism of disease; Has not been previously published as pathogenic or benign to our knowledge

Mayo Clinic Laboratories, Mayo Clinic
Classification: Likely pathogenic. Last evaluated: 2021-01-04. Review status: criteria provided, single submitter. Criteria: ACMG Guidelines, 2015. Collection method: clinical testing. Allele origin: germline. Observed: 2 variant alleles.
Comment: PP1, PM2_supporting, PVS1

Literature cited by the submitters: PubMed 20590677 (cited by Labcorp Genetics (formerly Invitae), Labcorp); PubMed 22004663 (cited by Labcorp Genetics (formerly Invitae), Labcorp); PubMed 38288598 (cited by Labcorp Genetics (formerly Invitae), Labcorp); PubMed 38510713 (cited by Labcorp Genetics (formerly Invitae), Labcorp); PubMed 40339755 (cited by Labcorp Genetics (formerly Invitae), Labcorp).

NM_001134363.3(RBM20):c.2802del (p.Ile935fs)

Gene: RBM20 (RNA binding motif protein 20; plus strand). Cytogenetic location: 10q25.2.
Variant type: Deletion.
Coding change: c.2802del on transcript NM_001134363.3 (MANE Select); coding-DNA position 2802, one base deleted (C; older notation c.2802delC).
Protein change: p.Ile935fs; shifts the reading frame from isoleucine 935.
Molecular consequence: frameshift variant.
Genome position (GRCh38, 1-based): chr10:110,821,421, C deleted; the last of 3 consecutive C bases (chr10:110,821,419-110,821,421); deleting any one gives the same sequence. VCF-style (leftmost placement, unchanged base first): chr10-110821418-GC-G. GRCh37 (hg19) VCF-style: chr10-112581176-GC-G.
Other names: c.2802del (NM_001134363.1, NM_001134363.2); c.2802delC (NM_001134363.2); short protein forms I935fs.
Identifiers: ClinVar variation 1163333 (VCV001163333.13), dbSNP rs2135121046, ClinGen allele CA2499220164.